The following is an entry in ClinVar:

NM_000051.4(ATM):c.9156G>T (p.Trp3052Cys)

Genes: ATM (ATM serine/threonine kinase; plus strand), C11orf65 (chromosome 11 open reading frame 65; minus strand). Cytogenetic location: 11q22.3.
Variant type: single nucleotide variant.
Coding change: c.9156G>T on transcript NM_000051.4 (MANE Select); coding-DNA position 9156, G replaced by T.
Protein change: p.Trp3052Cys; replaces tryptophan 3052 with cysteine.
Molecular consequence: missense variant. On other transcripts: intron variant (2).
Genome position (GRCh38, 1-based): chr11:108,365,493, G>T. VCF-style: chr11-108365493-G-T. GRCh37 (hg19) VCF-style: chr11-108236220-G-T.
Other names: c.9156G>T, p.Trp3052Cys (NM_001351834.2); c.640+20427C>A (NM_001330368.2); c.694+20427C>A (NM_001351110.2); short protein forms W3052C.
Identifiers: ClinVar variation 141388 (VCV000141388.11), dbSNP rs587781711, ClinGen allele CA165290.

ClinVar aggregate classification (germline): Uncertain significance. Review status: criteria provided, multiple submitters, no conflicts (2 of 4 stars). 3 submissions from 3 submitters: Uncertain significance (3). Last evaluated 2024-08-15.

Conditions:
Hereditary cancer-predisposing syndrome. Also called: Neoplastic Syndromes, Hereditary; Hereditary Cancer Syndrome; Tumor predisposition; Hereditary neoplastic syndrome. Identifiers: Orphanet 140162, MedGen C0027672, MeSH D009386, MONDO:0015356.
Familial cancer of breast. Also called: BREAST CANCER, FAMILIAL; hereditary breast carcinoma; Hereditary breast cancer. Identifiers: Orphanet 227535, MedGen C0346153, MONDO:0016419, OMIM 114480. Disease mechanism: loss of function.
Ataxia-telangiectasia syndrome (AT). Also called: Ataxia-telangiectasia, complementation group D; AT, COMPLEMENTATION GROUP C; Ataxia-telangiectasia; ATAXIA-TELANGIECTASIA, COMPLEMENTATION GROUP A; ATAXIA-TELANGIECTASIA, FRESNO VARIANT; Ataxia-telangiectasia, complementation group E. Identifiers: Orphanet 100, MedGen C0004135, MONDO:0008840, OMIM 208900.

Submissions (3):

Labcorp Genetics (formerly Invitae), Labcorp
Classification: Uncertain significance for Ataxia-telangiectasia syndrome. Last evaluated: 2024-08-15. Review status: criteria provided, single submitter. Criteria: Invitae Variant Classification Sherloc (09022015). Collection method: clinical testing. Allele origin: germline.
Comment: This sequence change replaces tryptophan, which is neutral and slightly polar, with cysteine, which is neutral and slightly polar, at codon 3052 of the ATM protein (p.Trp3052Cys). This variant is not present in population databases (gnomAD no frequency). This variant has not been reported in the literature in individuals affected with ATM-related conditions. ClinVar contains an entry for this variant (Variation ID: 141388). An algorithm developed to predict the effect of missense changes on protein structure and function (PolyPhen-2) suggests that this variant is likely to be disruptive. In summary, the available evidence is currently insufficient to determine the role of this variant in disease. Therefore, it has been classified as a Variant of Uncertain Significance.

Baylor Genetics
Classification: Uncertain significance for Familial cancer of breast. Last evaluated: 2023-07-15. Review status: criteria provided, single submitter. Criteria: ACMG Guidelines, 2015. Collection method: clinical testing. Allele origin: unknown.

Ambry Genetics
Classification: Uncertain significance for Hereditary cancer-predisposing syndrome. Last evaluated: 2023-04-06. Review status: criteria provided, single submitter. Criteria: Ambry Variant Classification Scheme 2023. Collection method: clinical testing. Allele origin: germline.
Comment: The p.W3052C variant (also known as c.9156G>T), located in coding exon 62 of the ATM gene, results from a G to T substitution at nucleotide position 9156. The tryptophan at codon 3052 is replaced by cysteine, an amino acid with highly dissimilar properties. This amino acid position is highly conserved in available vertebrate species. In addition, this alteration is predicted to be deleterious by in silico analysis. Since supporting evidence is limited at this time, the clinical significance of this alteration remains unclear.